The following is an entry in ClinVar:

NC_000014.8:g.(?_68251766)_(68260966_?)del

Gene: ZFYVE26 (zinc finger FYVE-type containing 26; minus strand). Cytogenetic location: 14q24.1.
Variant type: Deletion.
Identifiers: ClinVar variation 1066668 (VCV001066668.7).

ClinVar aggregate classification (germline): Likely pathogenic (1 of 4 stars; one submission).

Conditions:
Spastic paraplegia. Identifiers: MedGen C0037772, HP:0001258.

Submission:

Labcorp Genetics (formerly Invitae), Labcorp
Classification: Likely pathogenic for Spastic paraplegia. Last evaluated: 2020-09-21. Review status: criteria provided, single submitter. Criteria: Invitae Variant Classification Sherloc (09022015). Collection method: clinical testing. Allele origin: germline.
Comment: In summary, the currently available evidence indicates that the variant is pathogenic, but additional data are needed to prove that conclusively. Therefore, this variant has been classified as Likely Pathogenic. This variant disrupts the p.Leu880 amino acid residue in ZFYVE26. Other variant(s) that disrupt this residue have been determined to be pathogenic (PMID: 26492578). This suggests that this residue is clinically significant, and that variants that disrupt this residue are likely to be disease-causing. This variant has not been reported in the literature in individuals with ZFYVE26-related conditions. This variant is an in-frame deletion of the genomic region encompassing exon(s) 13-19 of the ZFYVE26 gene. It preserves the integrity of the reading frame.

Literature cited by the submitters: PubMed 26492578.